The following is an entry in ClinVar:

NM_000069.3(CACNA1S):c.1744G>T (p.Gly582Trp)

Gene: CACNA1S (calcium voltage-gated channel subunit alpha1 S; minus strand). Cytogenetic location: 1q32.1.
Variant type: single nucleotide variant.
Coding change: c.1744G>T on transcript NM_000069.3 (MANE Select); coding-DNA position 1744, G replaced by T.
Protein change: p.Gly582Trp; replaces glycine 582 with tryptophan.
Molecular consequence: missense variant.
Genome position (GRCh38, 1-based): chr1:201,077,003, C>A on the plus strand (G>T on the coding strand, the complement: CACNA1S is on the minus strand). VCF-style: chr1-201077003-C-A. GRCh37 (hg19) VCF-style: chr1-201046131-C-A.
Other names: short protein forms G582W.
Identifiers: ClinVar variation 1801860 (VCV001801860.8), dbSNP rs1365145775, ClinGen allele CA344119870.

ClinVar aggregate classification (germline): Uncertain significance. Review status: criteria provided, multiple submitters, no conflicts (2 of 4 stars). 7 submissions from 4 submitters: Uncertain significance (7). Last evaluated 2026-07-06.

Conditions:
Inborn genetic diseases. Identifiers: MedGen C0950123, MeSH D030342.
Congenital myopathy 18. Also called: Myopathy, congenital, due to dihydropyridine receptor defect; DIHYDROPYRIDINE RECEPTOR CONGENITAL MYOPATHY; DHPR CONGENITAL MYOPATHY. Identifiers: MedGen C5830283, MONDO:0859514, OMIM 620246.
Malignant hyperthermia, susceptibility to, 5 (MHS5). Also called: CACNA1S-Related Malignant Hyperthermia Susceptibility. Identifiers: Orphanet 423, MedGen C1866077, MONDO:0011163, OMIM 601887.
Hypokalemic periodic paralysis, type 1. Also called: HypoPP; Hypokalemic Periodic Paralysis Type 1 (AD). Identifiers: Orphanet 681, MedGen C3714580, MONDO:0042979, OMIM 170400.
Thyrotoxic periodic paralysis, susceptibility to, 1 (TTPP1). Identifiers: Orphanet 79102, MedGen C2749982, MONDO:0008570, OMIM 188580.

Submissions (7):

Ambry Genetics
Classification: Uncertain significance for Inborn genetic diseases. Last evaluated: 2026-07-06. Review status: criteria provided, single submitter. Criteria: Ambry Variant Classification Scheme 2023. Collection method: clinical testing. Allele origin: germline.
Comment: The p.G582W variant (also known as c.1744G>T), located in coding exon 12 of the CACNA1S gene, results from a G to T substitution at nucleotide position 1744. The glycine at codon 582 is replaced by tryptophan, an amino acid with highly dissimilar properties. This amino acid position is conserved. In addition, this alteration is predicted to be deleterious by in silico analysis. Based on the available evidence, the clinical significance of this variant remains unclear.

Labcorp Genetics (formerly Invitae), Labcorp
Classification: Uncertain significance for Hypokalemic periodic paralysis, type 1; Malignant hyperthermia, susceptibility to, 5. Last evaluated: 2023-11-27. Review status: criteria provided, single submitter. Criteria: Invitae Variant Classification Sherloc (09022015). Collection method: clinical testing. Allele origin: germline.
Comment: This sequence change replaces glycine, which is neutral and non-polar, with tryptophan, which is neutral and slightly polar, at codon 582 of the CACNA1S protein (p.Gly582Trp). This variant is not present in population databases (gnomAD no frequency). This variant has not been reported in the literature in individuals affected with CACNA1S-related conditions. ClinVar contains an entry for this variant (Variation ID: 1801860). Advanced modeling of protein sequence and biophysical properties (such as structural, functional, and spatial information, amino acid conservation, physicochemical variation, residue mobility, and thermodynamic stability) performed at Invitae indicates that this missense variant is expected to disrupt CACNA1S protein function with a positive predictive value of 80%. In summary, the available evidence is currently insufficient to determine the role of this variant in disease. Therefore, it has been classified as a Variant of Uncertain Significance.

Genome-Nilou Lab
Classification: Uncertain significance for Malignant hyperthermia, susceptibility to, 5. Last evaluated: 2023-04-11. Review status: criteria provided, single submitter. Criteria: ACMG Guidelines, 2015. Collection method: clinical testing. Allele origin: germline. Affected: no.

Genome-Nilou Lab
Classification: Uncertain significance for Thyrotoxic periodic paralysis, susceptibility to, 1. Last evaluated: 2023-04-11. Review status: criteria provided, single submitter. Criteria: ACMG Guidelines, 2015. Collection method: clinical testing. Allele origin: germline. Affected: no.

Genome-Nilou Lab
Classification: Uncertain significance for Congenital myopathy 18. Last evaluated: 2023-04-11. Review status: criteria provided, single submitter. Criteria: ACMG Guidelines, 2015. Collection method: clinical testing. Allele origin: germline. Affected: no.

Genome-Nilou Lab
Classification: Uncertain significance for Hypokalemic periodic paralysis, type 1. Last evaluated: 2023-04-11. Review status: criteria provided, single submitter. Criteria: ACMG Guidelines, 2015. Collection method: clinical testing. Allele origin: germline. Affected: no.

GeneDx
Classification: Uncertain significance. Last evaluated: 2022-06-01. Review status: criteria provided, single submitter. Criteria: GeneDx Variant Classification Process June 2021. Collection method: clinical testing. Allele origin: germline. Affected: yes.
Comment: Not observed at significant frequency in large population cohorts (gnomAD); In silico analysis supports that this missense variant has a deleterious effect on protein structure/function; Has not been previously published as pathogenic or benign to our knowledge